The following is an entry in ClinVar:

ClinVar aggregate classification (germline): Uncertain significance (1 of 4 stars; one submission).

Allele frequency attached by ClinVar (database versions not stated): gnomAD exomes below 0.00001.

Submission:

Labcorp Genetics (formerly Invitae), Labcorp
Classification: Uncertain significance. Last evaluated: 2021-08-02. Review status: criteria provided, single submitter. Criteria: Invitae Variant Classification Sherloc (09022015). Collection method: clinical testing. Allele origin: germline.
Comment: This sequence change replaces methionine with threonine at codon 313 of the FMN1 protein (p.Met313Thr). The FMN1 gene has multiple clinically relevant transcripts. This variant occurs in alternate transcript NM_001277314.1, and corresponds to NM_001103184.3:c.-86093T>C in the primary transcript. The frequency data for this variant in the population databases is considered unreliable, as metrics indicate insufficient coverage at this position in the ExAC database. This variant has not been reported in the literature in individuals affected with FMN1-related conditions. Experimental studies and prediction algorithms are not available or were not evaluated, and the functional significance of this variant is currently unknown. In summary, the available evidence is currently insufficient to determine the role of this variant in disease. Therefore, it has been classified as a Variant of Uncertain Significance.

NM_001277313.2(FMN1):c.938T>C (p.Met313Thr)

Gene: FMN1 (formin 1; minus strand). Cytogenetic location: 15q13.3.
Variant type: single nucleotide variant.
Coding change: c.938T>C on transcript NM_001277313.2 (MANE Select); coding-DNA position 938, T replaced by C.
Protein change: p.Met313Thr; replaces methionine 313 with threonine.
Molecular consequence: missense variant.
Genome position (GRCh38, 1-based): chr15:33,153,977, A>G on the plus strand (T>C on the coding strand, the complement: FMN1 is on the minus strand). VCF-style: chr15-33153977-A-G. GRCh37 (hg19) VCF-style: chr15-33446178-A-G.
Other names: c.938T>C, p.Met313Thr (NM_001277314.2); short protein forms M313T.
Identifiers: ClinVar variation 1521182 (VCV001521182.1), dbSNP rs2140284405, ClinGen allele CA391909594.